The following is an entry in ClinVar:

ClinVar aggregate classification (germline): Pathogenic (1 of 4 stars; one submission).

Submission:

Labcorp Genetics (formerly Invitae), Labcorp
Classification: Pathogenic. Last evaluated: 2025-09-28. Review status: criteria provided, single submitter. Criteria: Invitae Variant Classification Sherloc (09022015). Collection method: clinical testing. Allele origin: germline.
Comment: This sequence change creates a premature translational stop signal (p.Ser202*) in the HPS3 gene. It is expected to result in an absent or disrupted protein product. Loss-of-function variants in HPS3 are known to be pathogenic (PMID: 11590544). This variant is not present in population databases (gnomAD no frequency). This variant has not been reported in the literature in individuals affected with HPS3-related conditions. For these reasons, this variant has been classified as Pathogenic.

Literature cited by the submitters: PubMed 11590544.

NM_032383.5(HPS3):c.605C>G (p.Ser202Ter)

Gene: HPS3 (HPS3 biogenesis of lysosomal organelles complex 2 subunit 1; plus strand). Cytogenetic location: 3q24.
Variant type: single nucleotide variant.
Coding change: c.605C>G on transcript NM_032383.5 (MANE Select); coding-DNA position 605, C replaced by G.
Protein change: p.Ser202Ter; replaces serine 202 with a stop codon.
Molecular consequence: nonsense. On other transcripts: intron variant (1).
Genome position (GRCh38, 1-based): chr3:149,140,391, C>G. VCF-style: chr3-149140391-C-G. GRCh37 (hg19) VCF-style: chr3-148858178-C-G.
Other names: c.218-626C>G (NM_001308258.2); short protein forms S202*.
Identifiers: ClinVar variation 4704203 (VCV004704203.1).